The following is an entry in ClinVar:

NM_000258.3(MYL3):c.25A>G (p.Lys9Glu)

Gene: MYL3 (myosin light chain 3; minus strand). Cytogenetic location: 3p21.31.
Variant type: single nucleotide variant.
Coding change: c.25A>G on transcript NM_000258.3 (MANE Select); coding-DNA position 25, A replaced by G.
Protein change: p.Lys9Glu; replaces lysine 9 with glutamic acid.
Molecular consequence: missense variant.
Genome position (GRCh38, 1-based): chr3:46,863,366, T>C on the plus strand (A>G on the coding strand, the complement: MYL3 is on the minus strand). VCF-style: chr3-46863366-T-C. GRCh37 (hg19) VCF-style: chr3-46904856-T-C.
Other names: c.25A>G, p.Lys9Glu (NM_001406937.1, NM_001406938.1, NM_001406939.1); short protein forms K9E.
Identifiers: ClinVar variation 1793637 (VCV001793637.3), dbSNP rs2544972053, ClinGen allele CA352499895.

ClinVar aggregate classification (germline): Uncertain significance. Review status: criteria provided, multiple submitters, no conflicts (2 of 4 stars). 2 submissions from 2 submitters: Uncertain significance (2). Last evaluated 2025-10-27.

Conditions:
Hypertrophic cardiomyopathy. Also called: HYPERTROPHIC MYOCARDIOPATHY. Identifiers: Orphanet 217569, MedGen C0007194, MeSH D002312, MONDO:0005045, HP:0001639.
Cardiovascular phenotype. Identifiers: MedGen CN230736.

Allele frequency attached by ClinVar (database versions not stated): gnomAD exomes below 0.00001.
gnomAD v4.1: 1 of 1,613,676 alleles (0.000062%); highest among the groups gnomAD compares: Non-Finnish European, 0.000085%; no homozygotes.

Submissions (2):

Labcorp Genetics (formerly Invitae), Labcorp
Classification: Uncertain significance for Hypertrophic cardiomyopathy. Last evaluated: 2025-10-27. Review status: criteria provided, single submitter. Criteria: Invitae Variant Classification Sherloc (09022015). Collection method: clinical testing. Allele origin: germline.
Comment: This sequence change replaces lysine, which is basic and polar, with glutamic acid, which is acidic and polar, at codon 9 of the MYL3 protein (p.Lys9Glu). This variant is not present in population databases (gnomAD no frequency). This variant has not been reported in the literature in individuals affected with MYL3-related conditions. ClinVar contains an entry for this variant (Variation ID: 1793637). Experimental studies and prediction algorithms are not available or were not evaluated, and the functional significance of this variant is currently unknown. In summary, the available evidence is currently insufficient to determine the role of this variant in disease. Therefore, it has been classified as a Variant of Uncertain Significance.

Ambry Genetics
Classification: Uncertain significance for Cardiovascular phenotype. Last evaluated: 2022-06-02. Review status: criteria provided, single submitter. Criteria: Ambry Variant Classification Scheme 2023. Collection method: clinical testing. Allele origin: germline.
Comment: The p.K9E variant (also known as c.25A>G), located in coding exon 1 of the MYL3 gene, results from an A to G substitution at nucleotide position 25. The lysine at codon 9 is replaced by glutamic acid, an amino acid with similar properties. This amino acid position is conserved. In addition, the in silico prediction for this alteration is inconclusive. Since supporting evidence is limited at this time, the clinical significance of this alteration remains unclear.